The following is an entry in ClinVar:

ClinVar aggregate classification (germline): Uncertain significance (1 of 4 stars; one submission).

Conditions:
Dyskeratosis congenita, autosomal dominant 6 (DKCA6). Identifiers: Orphanet 3322, MedGen C4225284, MONDO:0014690, OMIM 616553.

Submission:

Labcorp Genetics (formerly Invitae), Labcorp
Classification: Uncertain significance for Dyskeratosis congenita, autosomal dominant 6. Last evaluated: 2025-11-19. Review status: criteria provided, single submitter. Criteria: Invitae Variant Classification Sherloc (09022015). Collection method: clinical testing. Allele origin: germline.
Comment: This variant, c.155_157del, results in the deletion of 1 amino acid(s) of the ACD protein (p.Leu52del), but otherwise preserves the integrity of the reading frame. This variant is present in population databases (no rsID available, gnomAD 0.006%). This variant has not been reported in the literature in individuals affected with ACD-related conditions. Experimental studies and prediction algorithms are not available or were not evaluated, and the functional significance of this variant is currently unknown. In summary, the available evidence is currently insufficient to determine the role of this variant in disease. Therefore, it has been classified as a Variant of Uncertain Significance.

NC_000016.10:g.67660324AGG[2]

Gene: ACD (ACD shelterin complex subunit and telomerase recruitment factor; minus strand). Cytogenetic location: 16q22.1.
Variant type: Microsatellite.
Genome position: GRCh38 VCF-style: chr16-67660321-CGGA-C. GRCh37 (hg19) VCF-style: chr16-67694224-CGGA-C.
Identifiers: ClinVar variation 1411858 (VCV001411858.6), dbSNP rs1198905942, ClinGen allele CA623120867.